The following is an entry in ClinVar:

ClinVar aggregate classification (germline): Uncertain significance (1 of 4 stars; one submission).

Conditions:
Cardiovascular phenotype. Identifiers: MedGen CN230736.

Allele frequency attached by ClinVar (database versions not stated): gnomAD exomes below 0.00001; ExAC 0.00001.
gnomAD v4.1: 4 of 1,614,124 alleles (0.00025%); highest among the groups gnomAD compares: Non-Finnish European, 0.00034%; no homozygotes.

Submission:

Ambry Genetics
Classification: Uncertain significance for Cardiovascular phenotype. Last evaluated: 2026-07-06. Review status: criteria provided, single submitter. Criteria: Ambry Variant Classification Scheme 2023. Collection method: clinical testing. Allele origin: germline.
Comment: The p.K1683I variant (also known as c.5048A>T), located in coding exon 26 of the APOB gene, results from an A to T substitution at nucleotide position 5048. The lysine at codon 1683 is replaced by isoleucine, an amino acid with dissimilar properties. This amino acid position is conserved. In addition, this alteration is predicted to be tolerated by in silico analysis. Based on the available evidence, the clinical significance of this variant remains unclear.

NM_000384.3(APOB):c.5048A>T (p.Lys1683Ile)

Gene: APOB (apolipoprotein B; minus strand). Cytogenetic location: 2p24.1.
Variant type: single nucleotide variant.
Coding change: c.5048A>T on transcript NM_000384.3 (MANE Select); coding-DNA position 5048, A replaced by T.
Protein change: p.Lys1683Ile; replaces lysine 1683 with isoleucine.
Molecular consequence: missense variant.
Genome position (GRCh38, 1-based): chr2:21,011,820, T>A on the plus strand (A>T on the coding strand, the complement: APOB is on the minus strand). VCF-style: chr2-21011820-T-A. GRCh37 (hg19) VCF-style: chr2-21234692-T-A.
Other names: short protein forms K1683I.
Identifiers: ClinVar variation 5027507 (VCV005027507.1), dbSNP rs777709291.
Genomic context (GRCh38, chr2:21,011,820, plus strand): 5'-GCTTTCCCATCCAGACTGAATTTTGCATTGTGTTCCCTGAAGCGGCCATTTGTTGTTAAT[T>A]TCATAGATGCCCCAGAGAGGCCAAGCTCTGCATTCAGCTCATTCTCCAGCACCAGGAGAC-3'
Protein context (NP_000375.3, residues 1673-1693): AELGLSGASM[Lys1683Ile]LTTNGRFREH